The following is an entry in ClinVar:

NM_001142800.2(EYS):c.-441G>T

Gene: EYS (EGF-like photoreceptor maintenance factor; minus strand). Cytogenetic location: 6q12.
Variant type: single nucleotide variant.
Coding change: c.-441G>T on transcript NM_001142800.2 (MANE Select); 441 bases upstream of the start codon, G replaced by T.
Molecular consequence: 5 prime UTR variant.
Genome position (GRCh38, 1-based): chr6:65,639,886, C>A on the plus strand (G>T on the coding strand, the complement: EYS is on the minus strand). VCF-style: chr6-65639886-C-A. GRCh37 (hg19) VCF-style: chr6-66349779-C-A.
Other names: c.-441G>T (NM_001142801.2, NM_001292009.2).
Identifiers: ClinVar variation 2139337 (VCV002139337.4), dbSNP rs2533385981, ClinGen allele CA2580075682.

ClinVar aggregate classification (germline): Uncertain significance (1 of 4 stars; one submission).

Submission:

Labcorp Genetics (formerly Invitae), Labcorp
Classification: Uncertain significance. Last evaluated: 2023-07-17. Review status: criteria provided, single submitter. Criteria: Invitae Variant Classification Sherloc (09022015). Collection method: clinical testing. Allele origin: germline.
Comment: In summary, the available evidence is currently insufficient to determine the role of this variant in disease. Therefore, it has been classified as a Variant of Uncertain Significance. ClinVar contains an entry for this variant (Variation ID: 2139337). This variant has not been reported in the literature in individuals affected with EYS-related conditions. This variant is not present in population databases (gnomAD no frequency). This variant occurs in a non-coding region of the EYS gene. It does not change the encoded amino acid sequence of the EYS protein.